The following is an entry in ClinVar:

NM_015164.4(PLEKHM2):c.1322C>T (p.Ser441Phe)

Gene: PLEKHM2 (pleckstrin homology and RUN domain containing M2; plus strand). Cytogenetic location: 1p36.21.
Variant type: single nucleotide variant.
Coding change: c.1322C>T on transcript NM_015164.4 (MANE Select); coding-DNA position 1322, C replaced by T.
Protein change: p.Ser441Phe; replaces serine 441 with phenylalanine.
Molecular consequence: missense variant.
Genome position (GRCh38, 1-based): chr1:15,727,394, C>T. VCF-style: chr1-15727394-C-T. GRCh37 (hg19) VCF-style: chr1-16053889-C-T.
Other names: short protein forms S441F.
Identifiers: ClinVar variation 544346 (VCV000544346.11), dbSNP rs373711687, ClinGen allele CA616915.

ClinVar aggregate classification (germline): Uncertain significance. Review status: criteria provided, multiple submitters, no conflicts (2 of 4 stars). 2 submissions from 2 submitters: Uncertain significance (2). Last evaluated 2025-10-06.

Conditions:
Dilated Cardiomyopathy, Recessive.

Allele frequency attached by ClinVar (database versions not stated): TOPMed 0.00033; 1000 Genomes Project 30x 0.00016; ESP Exome Variant Server 0.00017.
gnomAD v4.1: 97 of 1,603,772 alleles (0.006%); highest among the groups gnomAD compares: African/African-American, 0.11%; no homozygotes.

Submissions (2):

Ambry Genetics
Classification: Uncertain significance. Last evaluated: 2025-10-06. Review status: criteria provided, single submitter. Criteria: Ambry Variant Classification Scheme 2023. Collection method: clinical testing. Allele origin: germline.

Labcorp Genetics (formerly Invitae), Labcorp
Classification: Uncertain significance. Last evaluated: 2024-11-04. Review status: criteria provided, single submitter. Criteria: Invitae Variant Classification Sherloc (09022015). Collection method: clinical testing. Allele origin: germline.
Comment: This sequence change replaces serine, which is neutral and polar, with phenylalanine, which is neutral and non-polar, at codon 441 of the PLEKHM2 protein (p.Ser441Phe). This variant is present in population databases (rs373711687, gnomAD 0.1%), and has an allele count higher than expected for a pathogenic variant. This variant has not been reported in the literature in individuals affected with PLEKHM2-related conditions. ClinVar contains an entry for this variant (Variation ID: 544346). An algorithm developed to predict the effect of missense changes on protein structure and function (PolyPhen-2) suggests that this variant¬†is likely to be tolerated. In summary, the available evidence is currently insufficient to determine the role of this variant in disease. Therefore, it has been classified as a Variant of Uncertain Significance.